The following is an entry in ClinVar:

ClinVar aggregate classification (germline): Conflicting classifications of pathogenicity. Review status: criteria provided, conflicting classifications (1 of 4 stars). 4 submissions from 4 submitters: Uncertain significance (2); Likely benign (2). Last evaluated 2026-01-15.

Conditions:
CABP2-related disorder. Also called: CABP2-related condition.

Allele frequency attached by ClinVar (database versions not stated): gnomAD exomes 0.00005; gnomAD 0.00013; TOPMed 0.00016; ExAC 0.00032.

Submissions (4):

Labcorp Genetics (formerly Invitae), Labcorp
Classification: Likely benign. Last evaluated: 2026-01-15. Review status: criteria provided, single submitter. Criteria: Invitae Variant Classification Sherloc (09022015). Collection method: clinical testing. Allele origin: germline.

CeGaT Center for Human Genetics Tuebingen
Classification: Uncertain significance. Last evaluated: 2025-12-01. Review status: criteria provided, single submitter. Criteria: CeGaT Center For Human Genetics Tuebingen Variant Classification Criteria Version 2. Collection method: clinical testing. Allele origin: germline. Affected: yes. Observed: 1 variant allele.
Comment: CABP2: PM2

PreventionGenetics, part of Exact Sciences
Classification: Likely benign for CABP2-related condition. Last evaluated: 2025-10-21. Review status: criteria provided, single submitter. Criteria: ACMG Guidelines, 2015. Collection method: clinical testing. Allele origin: germline.
Comment: This variant is classified as likely benign based on ACMG/AMP sequence variant interpretation guidelines (Richards et al. 2015 PMID: 25741868, with internal and published modifications).

Blueprint Genetics
Classification: Uncertain significance. Last evaluated: 2023-10-12. Review status: criteria provided, single submitter. Criteria: ACMG Guidelines, 2015. Collection method: clinical testing. Allele origin: germline.

NM_016366.3(CABP2):c.654G>A (p.Met218Ile)

Gene: CABP2 (calcium binding protein 2; minus strand). Cytogenetic location: 11q13.2.
Variant type: single nucleotide variant.
Coding change: c.654G>A on transcript NM_016366.3 (MANE Select); coding-DNA position 654, G replaced by A.
Protein change: p.Met218Ile; replaces methionine 218 with isoleucine.
Molecular consequence: missense variant.
Genome position (GRCh38, 1-based): chr11:67,519,148, C>T on the plus strand (G>A on the coding strand, the complement: CABP2 is on the minus strand). VCF-style: chr11-67519148-C-T. GRCh37 (hg19) VCF-style: chr11-67286619-C-T.
Other names: c.654G>A (NM_016366.2); c.672G>A, p.Met224Ile (NM_001318496.2); short protein forms M218I, M224I.
Identifiers: ClinVar variation 2191656 (VCV002191656.11), dbSNP rs749083371, ClinGen allele CA6142342.